The following is an entry in ClinVar:

ClinVar aggregate classification (germline): Uncertain significance. Review status: criteria provided, multiple submitters, no conflicts (2 of 4 stars). 2 submissions from 2 submitters: Uncertain significance (2). Last evaluated 2022-10-28.

Conditions:
Combined immunodeficiency with skin granulomas. Identifiers: Orphanet 157949, MedGen C2673536, MONDO:0009306, OMIM 233650.
Severe combined immunodeficiency, autosomal recessive, T cell-negative, B cell-negative, NK cell-positive. Also called: Severe combined immunodeficiency due to complete RAG1/2 deficiency; SCID, T CELL-NEGATIVE, B CELL-NEGATIVE, NK CELL-POSITIVE; SCID, AR, T-cell negative, B-cell negative, NK cell-positive. Identifiers: Orphanet 331206, MedGen C1832322, MONDO:0011086, OMIM 601457.

Allele frequency attached by ClinVar (database versions not stated): gnomAD exomes 0.00001 and 0.00003; ExAC 0.00004; gnomAD 0.00006; ESP Exome Variant Server 0.00008; TOPMed 0.00008; 1000 Genomes Project 0.00020; 1000 Genomes Project 30x 0.00031.
gnomAD v4.1: 23 of 1,614,174 alleles (0.0014%); highest among the groups gnomAD compares: African/African-American, 0.017%; no homozygotes.

Submissions (2):

Blueprint Genetics
Classification: Uncertain significance. Last evaluated: 2022-10-28. Review status: criteria provided, single submitter. Criteria: ACMG Guidelines, 2015. Collection method: clinical testing. Allele origin: germline.

Labcorp Genetics (formerly Invitae), Labcorp
Classification: Uncertain significance for Combined immunodeficiency with skin granulomas; Severe combined immunodeficiency, autosomal recessive, T cell-negative, B cell-negative, NK cell-positive. Last evaluated: 2022-10-22. Review status: criteria provided, single submitter. Criteria: Invitae Variant Classification Sherloc (09022015). Collection method: clinical testing. Allele origin: germline.
Comment: This sequence change replaces threonine, which is neutral and polar, with isoleucine, which is neutral and non-polar, at codon 306 of the RAG1 protein (p.Thr306Ile). This variant is present in population databases (rs145962212, gnomAD 0.009%). This variant has not been reported in the literature in individuals affected with RAG1-related conditions. ClinVar contains an entry for this variant (Variation ID: 961806). Advanced modeling of protein sequence and biophysical properties (such as structural, functional, and spatial information, amino acid conservation, physicochemical variation, residue mobility, and thermodynamic stability) performed at Invitae indicates that this missense variant is not expected to disrupt RAG1 protein function. In summary, the available evidence is currently insufficient to determine the role of this variant in disease. Therefore, it has been classified as a Variant of Uncertain Significance.

NM_000448.3(RAG1):c.917C>T (p.Thr306Ile)

Gene: RAG1 (recombination activating 1; plus strand). Cytogenetic location: 11p12.
Variant type: single nucleotide variant.
Coding change: c.917C>T on transcript NM_000448.3 (MANE Select); coding-DNA position 917, C replaced by T.
Protein change: p.Thr306Ile; replaces threonine 306 with isoleucine.
Molecular consequence: missense variant.
Genome position (GRCh38, 1-based): chr11:36,574,221, C>T. VCF-style: chr11-36574221-C-T. GRCh37 (hg19) VCF-style: chr11-36595771-C-T.
Other names: c.917C>T, p.Thr306Ile (NM_001377277.1, NM_001377278.1, NM_001377279.1 and 1 more transcripts); short protein forms T306I.
Identifiers: ClinVar variation 961806 (VCV000961806.8), dbSNP rs145962212, ClinGen allele CA5950073.
Genomic context (GRCh38, chr11:36,574,221, plus strand): 5'-ACTTTGTGAAATCCATCTCCTGCCAGATCTGTGAACACATTCTGGCTGACCCTGTGGAGA[C>T]CAACTGTAAGCATGTCTTTTGCCGGGTCTGCATTCTCAGATGCCTCAAAGTCATGGGCAG-3'
Protein context (NP_000439.2, residues 296-316): CEHILADPVE[Thr306Ile]NCKHVFCRVC